The following is an entry in ClinVar:

NM_000038.6(APC):c.6573A>G (p.Gly2191=)

Gene: APC (APC regulator of Wnt signaling pathway; plus strand). Cytogenetic location: 5q22.2.
Variant type: single nucleotide variant.
Coding change: c.6573A>G on transcript NM_000038.6 (MANE Select); coding-DNA position 6573, A replaced by G.
Protein change: p.Gly2191=; no amino-acid change (glycine 2191 retained).
Molecular consequence: synonymous variant.
Genome position (GRCh38, 1-based): chr5:112,842,167, A>G. VCF-style: chr5-112842167-A-G. GRCh37 (hg19) VCF-style: chr5-112177864-A-G.
Other names: c.6573A>G, p.Gly2191= (NM_001127510.3, NM_001354895.2); c.6519A>G, p.Gly2173= (NM_001127511.3); c.6627A>G, p.Gly2209= (NM_001354896.2); c.6603A>G, p.Gly2201= (NM_001354897.2); c.6498A>G, p.Gly2166= (NM_001354898.2); c.6489A>G, p.Gly2163= (NM_001354899.2); c.6450A>G, p.Gly2150= (NM_001354900.2); c.6396A>G, p.Gly2132= (NM_001354901.2); and 5 more.
Identifiers: ClinVar variation 229937 (VCV000229937.26), dbSNP rs553815910, ClinGen allele CA045368.

ClinVar aggregate classification (germline): Benign/Likely benign. Review status: criteria provided, multiple submitters, no conflicts (2 of 4 stars). 8 submissions from 8 submitters: Benign (1); Likely benign (7). Last evaluated 2025-11-27.

Conditions:
Classic or attenuated familial adenomatous polyposis. Identifiers: MedGen CN372698, MONDO:0021057.
Hereditary cancer-predisposing syndrome. Also called: Neoplastic Syndromes, Hereditary; Hereditary Cancer Syndrome; Tumor predisposition; Hereditary neoplastic syndrome. Identifiers: Orphanet 140162, MedGen C0027672, MeSH D009386, MONDO:0015356.
Familial adenomatous polyposis 1 (FAP1). Also called: FAMILIAL ADENOMATOUS POLYPOSIS 1, ATTENUATED; POLYPOSIS, ADENOMATOUS INTESTINAL. Identifiers: MedGen C2713442, MONDO:0021056, OMIM 175100. Disease mechanism: loss of function.

Allele frequency attached by ClinVar (database versions not stated): ExAC 0.00001; gnomAD exomes 0.00001; gnomAD 0.00003 and 0.00004; TOPMed 0.00003; 1000 Genomes Project 30x 0.00016; 1000 Genomes Project 0.00020.
gnomAD v4.1: 13 of 1,612,486 alleles (0.00081%); highest among the groups gnomAD compares: African/African-American, 0.015%; no homozygotes.

Submissions (8):

Women's Health and Genetics/Laboratory Corporation of America, LabCorp
Classification: Likely benign. Last evaluated: 2025-11-27. Review status: criteria provided, single submitter. Criteria: LabCorp Variant Classification Summary - May 2015. Collection method: clinical testing. Allele origin: germline.

Labcorp Genetics (formerly Invitae), Labcorp
Classification: Likely benign for Familial adenomatous polyposis 1. Last evaluated: 2025-08-28. Review status: criteria provided, single submitter. Criteria: Invitae Variant Classification Sherloc (09022015). Collection method: clinical testing. Allele origin: germline.

Blueprint Genetics
Classification: Likely benign. Last evaluated: 2024-05-27. Review status: criteria provided, single submitter. Criteria: ACMG Guidelines, 2015. Collection method: clinical testing. Allele origin: germline.

Myriad Genetics, Inc.
Classification: Benign for Familial adenomatous polyposis 1. Last evaluated: 2024-04-05. Review status: criteria provided, single submitter. Criteria: Myriad Autosomal Dominant, Autosomal Recessive and X-Linked Classification Criteria (2023). Collection method: clinical testing. Allele origin: unknown.
Comment: This variant is considered benign. This variant is a silent/synonymous amino acid change and it is not expected to impact splicing.

All of Us Research Program, National Institutes of Health
Classification: Likely benign for Classic or attenuated familial adenomatous polyposis. Last evaluated: 2023-02-24. Review status: criteria provided, single submitter. Criteria: ACMG Guidelines, 2015. Collection method: clinical testing. Allele origin: germline. Inheritance: Autosomal dominant inheritance. Observed: 1 variant allele, 1 heterozygote.
Comment: This study involves interpretation of variants in research participants for the purpose of population health screening. Participant phenotype was not available at the time of variant classification. Additional details can be found in publication PMID: 35346344, PMCID: PMC8962531

Color Diagnostics, LLC DBA Color Health
Classification: Likely benign for Hereditary cancer-predisposing syndrome. Last evaluated: 2019-12-23. Review status: criteria provided, single submitter. Criteria: ACMG Guidelines, 2015. Collection method: clinical testing. Allele origin: germline.

GeneDx
Classification: Likely benign. Last evaluated: 2019-10-15. Review status: criteria provided, single submitter. Criteria: GeneDx Variant Classification Process June 2021. Collection method: clinical testing. Allele origin: germline. Affected: yes.

Ambry Genetics
Classification: Likely benign for Hereditary cancer-predisposing syndrome. Last evaluated: 2015-01-08. Review status: criteria provided, single submitter. Criteria: Ambry Variant Classification Scheme 2023. Collection method: clinical testing. Allele origin: germline.